The following is an entry in ClinVar:

NM_024852.4(AGO3):c.972G>A (p.Pro324=)

Gene: AGO3 (argonaute RISC catalytic component 3; plus strand). Cytogenetic location: 1p34.3.
Variant type: single nucleotide variant.
Coding change: c.972G>A on transcript NM_024852.4 (MANE Select); coding-DNA position 972, G replaced by A.
Protein change: p.Pro324=; no amino-acid change (proline 324 retained).
Molecular consequence: synonymous variant.
Genome position (GRCh38, 1-based): chr1:36,008,987, G>A. VCF-style: chr1-36008987-G-A. GRCh37 (hg19) VCF-style: chr1-36474588-G-A.
Other names: c.270G>A, p.Pro90= (NM_177422.3).
Identifiers: ClinVar variation 3053137 (VCV003053137.2), dbSNP rs144067198, ClinGen allele CA763701.

ClinVar aggregate classification (germline): Likely benign (0 of 4 stars; one submission).

Conditions:
AGO3-related disorder. Also called: AGO3-related condition.

Allele frequency attached by ClinVar (database versions not stated): ESP Exome Variant Server 0.00062; ExAC 0.00067.
gnomAD v4.1: 1,268 of 1,608,532 alleles (0.079%); highest among the groups gnomAD compares: Non-Finnish European, 0.097%; 2 homozygotes.

Submission:

PreventionGenetics, part of Exact Sciences
Classification: Likely benign for AGO3-related condition. Last evaluated: 2019-08-19. Review status: no assertion criteria provided. Collection method: clinical testing. Allele origin: germline.
Comment: This variant is classified as likely benign based on ACMG/AMP sequence variant interpretation guidelines (Richards et al. 2015 PMID: 25741868, with internal and published modifications).